The following is an entry in ClinVar:

NM_005585.5(SMAD6):c.1405G>A (p.Ala469Thr)

Gene: SMAD6 (SMAD family member 6; plus strand). Cytogenetic location: 15q22.31.
Variant type: single nucleotide variant.
Coding change: c.1405G>A on transcript NM_005585.5 (MANE Select); coding-DNA position 1405, G replaced by A.
Protein change: p.Ala469Thr; replaces alanine 469 with threonine.
Molecular consequence: missense variant. On other transcripts: non-coding transcript variant (1).
Genome position (GRCh38, 1-based): chr15:66,781,449, G>A. VCF-style: chr15-66781449-G-A. GRCh37 (hg19) VCF-style: chr15-67073787-G-A.
Other names: short protein forms A469T.
Identifiers: ClinVar variation 3224788 (VCV003224788.1), dbSNP rs1416212959, ClinGen allele CA393202467.

ClinVar aggregate classification (germline): Uncertain significance (1 of 4 stars; one submission).

Conditions:
Inborn genetic diseases. Identifiers: MedGen C0950123, MeSH D030342.

gnomAD v4.1: 2 of 1,605,022 alleles (0.00012%); highest among the groups gnomAD compares: Non-Finnish European, 0.00017%; no homozygotes.

Submission:

Ambry Genetics
Classification: Uncertain significance for Inborn genetic diseases. Last evaluated: 2024-02-22. Review status: criteria provided, single submitter. Criteria: Ambry Variant Classification Scheme 2023. Collection method: clinical testing. Allele origin: germline.
Comment: The p.A469T variant (also known as c.1405G>A), located in coding exon 4 of the SMAD6 gene, results from a G to A substitution at nucleotide position 1405. The alanine at codon 469 is replaced by threonine, an amino acid with similar properties. This amino acid position is conserved. In addition, this alteration is predicted to be deleterious by in silico analysis. Based on the available evidence, the clinical significance of this alteration remains unclear.